The following is an entry in ClinVar:

ClinVar aggregate classification (germline): Likely benign (0 of 4 stars; one submission).

Conditions:
ZIC1-related disorder. Also called: ZIC1-related condition.

Allele frequency attached by ClinVar (database versions not stated): gnomAD exomes 0.00001.

Submission:

PreventionGenetics, part of Exact Sciences
Classification: Likely benign for ZIC1-related condition. Last evaluated: 2019-03-04. Review status: no assertion criteria provided. Collection method: clinical testing. Allele origin: germline.
Comment: This variant is classified as likely benign based on ACMG/AMP sequence variant interpretation guidelines (Richards et al. 2015 PMID: 25741868, with internal and published modifications).

NM_003412.4(ZIC1):c.783A>G (p.Val261=)

Gene: ZIC1 (Zic family member 1; plus strand). Cytogenetic location: 3q24.
Variant type: single nucleotide variant.
Coding change: c.783A>G on transcript NM_003412.4 (MANE Select); coding-DNA position 783, A replaced by G.
Protein change: p.Val261=; no amino-acid change (valine 261 retained).
Molecular consequence: synonymous variant.
Genome position (GRCh38, 1-based): chr3:147,410,895, A>G. VCF-style: chr3-147410895-A-G. GRCh37 (hg19) VCF-style: chr3-147128682-A-G.
Identifiers: ClinVar variation 3046782 (VCV003046782.2), dbSNP rs759219980, ClinGen allele CA436389196.